The following is an entry in ClinVar:

NM_006306.4(SMC1A):c.2069_2076del (p.Lys690fs)

Gene: SMC1A (structural maintenance of chromosomes 1A; minus strand). Cytogenetic location: Xp11.22.
Variant type: Deletion.
Coding change: c.2069_2076del on transcript NM_006306.4 (MANE Select); coding-DNA positions 2069 to 2076, 8 bases deleted (AGGCAAAA; older notation c.2069_2076delAGGCAAAA).
Protein change: p.Lys690fs; shifts the reading frame from lysine 690.
Molecular consequence: frameshift variant.
Genome position (GRCh38, 1-based): chrX:53,405,132-53,405,139, TTTTGCCT deleted on the plus strand (AGGCAAAA on the coding strand, the reverse complement: SMC1A is on the minus strand); deleting any 8 consecutive bases within chrX:53,405,132-53,405,140 gives the same sequence; the c. name uses the placement nearest the transcript's 3' end. VCF-style (leftmost placement, unchanged base first): chrX-53405131-GTTTTGCCT-G. GRCh37 (hg19) VCF-style: chrX-53432063-GTTTTGCCT-G.
Other names: c.2003_2010del, p.Lys668fs (NM_001281463.1); short protein forms K668fs, K690fs.
Identifiers: ClinVar variation 4291115 (VCV004291115.1).

ClinVar aggregate classification (germline): Pathogenic (1 of 4 stars; one submission).

Conditions:
Congenital muscular hypertrophy-cerebral syndrome (CDLS2). Also called: SMC1A-Related Cornelia de Lange Syndrome; Cornelia de Lange syndrome 2. Identifiers: Orphanet 199, MedGen C1802395, MONDO:0010370, OMIM 300590.

Submission:

Institute of Human Genetics, University of Leipzig Medical Center
Classification: Pathogenic for Congenital muscular hypertrophy-cerebral syndrome. Last evaluated: 2025-09-22. Review status: criteria provided, single submitter. Criteria: ACMG Guidelines, 2015. Collection method: clinical testing. Allele origin: de novo. Inheritance: X-linked dominant inheritance. Affected: yes.
Comment: Criteria applied: PVS1,PM2